The following is an entry in ClinVar:

ClinVar aggregate classification (germline): Uncertain significance (1 of 4 stars; one submission).

Conditions:
Bethlem myopathy 1A. Also called: MYOPATHY, BENIGN CONGENITAL, WITH CONTRACTURES; Bethlem myopathy 1; Bethlem Muscular Dystrophy. Identifiers: Orphanet 610, MedGen CN029274, MONDO:0024530, OMIM 158810.

Submission:

Labcorp Genetics (formerly Invitae), Labcorp
Classification: Uncertain significance for Bethlem myopathy 1A. Last evaluated: 2025-11-16. Review status: criteria provided, single submitter. Criteria: Invitae Variant Classification Sherloc (09022015). Collection method: clinical testing. Allele origin: germline.
Comment: This sequence change replaces glutamic acid, which is acidic and polar, with lysine, which is basic and polar, at codon 405 of the COL6A1 protein (p.Glu405Lys). This variant is not present in population databases (gnomAD no frequency). This variant has not been reported in the literature in individuals affected with COL6A1-related conditions. Invitae Evidence Modeling of protein sequence and biophysical properties (such as structural, functional, and spatial information, amino acid conservation, physicochemical variation, residue mobility, and thermodynamic stability) indicates that this missense variant is not expected to disrupt COL6A1 protein function with a negative predictive value of 95%. In summary, the available evidence is currently insufficient to determine the role of this variant in disease. Therefore, it has been classified as a Variant of Uncertain Significance.

NM_001848.3(COL6A1):c.1213G>A (p.Glu405Lys)

Gene: COL6A1 (collagen type VI alpha 1 chain; plus strand). Cytogenetic location: 21q22.3.
Variant type: single nucleotide variant.
Coding change: c.1213G>A on transcript NM_001848.3 (MANE Select); coding-DNA position 1213, G replaced by A.
Protein change: p.Glu405Lys; replaces glutamic acid 405 with lysine.
Molecular consequence: missense variant.
Genome position (GRCh38, 1-based): chr21:45,992,194, G>A. VCF-style: chr21-45992194-G-A. GRCh37 (hg19) VCF-style: chr21-47412108-G-A.
Other names: short protein forms E405K.
Identifiers: ClinVar variation 4798803 (VCV004798803.1).